The following is an entry in ClinVar:

ClinVar aggregate classification (germline): Uncertain significance (1 of 4 stars; one submission).

Conditions:
Congenital contractural arachnodactyly (CCA). Also called: BEALS SYNDROME; Beals-Hecht syndrome; Arthrogryposis, distal, type 9. Identifiers: Orphanet 115, MedGen C0220668, MONDO:0007363, OMIM 121050.

Allele frequency attached by ClinVar (database versions not stated): gnomAD exomes below 0.00001.
gnomAD v4.1: 1 of 1,600,514 alleles (0.000062%); highest among the groups gnomAD compares: South Asian, 0.0011%; no homozygotes.

Submission:

Labcorp Genetics (formerly Invitae), Labcorp
Classification: Uncertain significance for Congenital contractural arachnodactyly. Last evaluated: 2023-04-20. Review status: criteria provided, single submitter. Criteria: Invitae Variant Classification Sherloc (09022015). Collection method: clinical testing. Allele origin: germline.
Comment: In summary, the available evidence is currently insufficient to determine the role of this variant in disease. Therefore, it has been classified as a Variant of Uncertain Significance. An algorithm developed to predict the effect of missense changes on protein structure and function (PolyPhen-2) suggests that this variant is likely to be tolerated. This variant has not been reported in the literature in individuals affected with FBN2-related conditions. This variant is not present in population databases (gnomAD no frequency). This sequence change replaces valine, which is neutral and non-polar, with alanine, which is neutral and non-polar, at codon 1807 of the FBN2 protein (p.Val1807Ala).

NM_001999.4(FBN2):c.5420T>C (p.Val1807Ala)

Gene: FBN2 (fibrillin 2; minus strand). Cytogenetic location: 5q23.3.
Variant type: single nucleotide variant.
Coding change: c.5420T>C on transcript NM_001999.4 (MANE Select); coding-DNA position 5420, T replaced by C.
Protein change: p.Val1807Ala; replaces valine 1807 with alanine.
Molecular consequence: missense variant.
Genome position (GRCh38, 1-based): chr5:128,307,137, A>G on the plus strand (T>C on the coding strand, the complement: FBN2 is on the minus strand). VCF-style: chr5-128307137-A-G. GRCh37 (hg19) VCF-style: chr5-127642829-A-G.
Other names: short protein forms V1807A.
Identifiers: ClinVar variation 2857891 (VCV002857891.3), dbSNP rs2479728988, ClinGen allele CA360742705.